The following is an entry in ClinVar:

ClinVar aggregate classification (germline): Uncertain significance (1 of 4 stars; one submission).

Conditions:
Pitt-Hopkins syndrome (PTHS). Also called: MENTAL RETARDATION, SYNDROMAL, WITH INTERMITTENT HYPERVENTILATION; ENCEPHALOPATHY, SEVERE EPILEPTIC, WITH AUTONOMIC DYSFUNCTION. Identifiers: Orphanet 2896, MedGen C1970431, MONDO:0012589, OMIM 610954.

Allele frequency attached by ClinVar (database versions not stated): gnomAD exomes below 0.00001.
gnomAD v4.1: 11 of 1,613,866 alleles (0.00068%); highest among the groups gnomAD compares: Non-Finnish European, 0.00076%; no homozygotes.

Submission:

Labcorp Genetics (formerly Invitae), Labcorp
Classification: Uncertain significance for Pitt-Hopkins syndrome. Last evaluated: 2019-12-04. Review status: criteria provided, single submitter. Criteria: Invitae Variant Classification Sherloc (09022015). Collection method: clinical testing. Allele origin: germline.
Comment: In summary, the available evidence is currently insufficient to determine the role of this variant in disease. Therefore, it has been classified as a Variant of Uncertain Significance. Algorithms developed to predict the effect of missense changes on protein structure and function (SIFT, PolyPhen-2, Align-GVGD) all suggest that this variant is likely to be tolerated, but these predictions have not been confirmed by published functional studies and their clinical significance is uncertain. This variant has not been reported in the literature in individuals with TCF4-related conditions. This variant is not present in population databases (ExAC no frequency). This sequence change replaces glutamic acid with glutamine at codon 115 of the TCF4 protein (p.Glu115Gln). The glutamic acid residue is weakly conserved and there is a small physicochemical difference between glutamic acid and glutamine.

NM_001083962.2(TCF4):c.343G>C (p.Glu115Gln)

Gene: TCF4 (transcription factor 4; minus strand). Cytogenetic location: 18q21.2.
Variant type: single nucleotide variant.
Coding change: c.343G>C on transcript NM_001083962.2 (MANE Select); coding-DNA position 343, G replaced by C.
Protein change: p.Glu115Gln; replaces glutamic acid 115 with glutamine.
Molecular consequence: missense variant. On other transcripts: 5 prime UTR variant (3).
Genome position (GRCh38, 1-based): chr18:55,403,480, C>G on the plus strand (G>C on the coding strand, the complement: TCF4 is on the minus strand). VCF-style: chr18-55403480-C-G. GRCh37 (hg19) VCF-style: chr18-53070711-C-G.
Other names: c.649G>C, p.Glu217Gln (NM_001243226.3); c.271G>C, p.Glu91Gln (NM_001243227.2, NM_001306207.1, NM_001348217.1 and 15 more transcripts); c.343G>C, p.Glu115Gln (NM_001243228.2, NM_001330604.3, NM_001369567.1 and 8 more transcripts); c.337G>C, p.Glu113Gln (NM_001243230.2); c.217G>C, p.Glu73Gln (NM_001243231.2, NM_001348211.2); c.133G>C, p.Glu45Gln (NM_001243232.1, NM_001306208.1); c.-48G>C (NM_001243233.2, NM_001348213.2); c.-45G>C (NM_001348212.2); short protein forms E217Q, E45Q, E73Q, E91Q, E113Q, E115Q.
Identifiers: ClinVar variation 864103 (VCV000864103.9), dbSNP rs867124521, ClinGen allele CA402702854.